The following is an entry in ClinVar:

ClinVar aggregate classification (germline): Uncertain significance (1 of 4 stars; one submission).

Allele frequency attached by ClinVar (database versions not stated): gnomAD 0.00001.
gnomAD v4.1: 1 of 1,610,540 alleles (0.000062%); highest among the groups gnomAD compares: South Asian, 0.0011%; no homozygotes.

Submission:

Labcorp Genetics (formerly Invitae), Labcorp
Classification: Uncertain significance. Last evaluated: 2022-08-23. Review status: criteria provided, single submitter. Criteria: Invitae Variant Classification Sherloc (09022015). Collection method: clinical testing. Allele origin: germline.
Comment: In summary, the available evidence is currently insufficient to determine the role of this variant in disease. Therefore, it has been classified as a Variant of Uncertain Significance. Algorithms developed to predict the effect of missense changes on protein structure and function (SIFT, PolyPhen-2, Align-GVGD) all suggest that this variant is likely to be disruptive. This variant has not been reported in the literature in individuals affected with CRIPT-related conditions. This variant is not present in population databases (gnomAD no frequency). This sequence change replaces histidine, which is basic and polar, with tyrosine, which is neutral and polar, at codon 66 of the CRIPT protein (p.His66Tyr).

NM_014171.6(CRIPT):c.196C>T (p.His66Tyr)

Gene: CRIPT (CXXC repeat containing interactor of PDZ3 domain; plus strand). Cytogenetic location: 2p21.
Variant type: single nucleotide variant.
Coding change: c.196C>T on transcript NM_014171.6 (MANE Select); coding-DNA position 196, C replaced by T.
Protein change: p.His66Tyr; replaces histidine 66 with tyrosine.
Molecular consequence: missense variant.
Genome position (GRCh38, 1-based): chr2:46,623,822, C>T. VCF-style: chr2-46623822-C-T. GRCh37 (hg19) VCF-style: chr2-46850961-C-T.
Other names: short protein forms H66Y.
Identifiers: ClinVar variation 2096544 (VCV002096544.4), dbSNP rs1670869533, ClinGen allele CA346702026.